The following is an entry in ClinVar:

NM_001298.3(CNGA3):c.215G>A (p.Arg72Lys)

Gene: CNGA3 (cyclic nucleotide gated channel subunit alpha 3; plus strand). Cytogenetic location: 2q11.2.
Variant type: single nucleotide variant.
Coding change: c.215G>A on transcript NM_001298.3 (MANE Select); coding-DNA position 215, G replaced by A.
Protein change: p.Arg72Lys; replaces arginine 72 with lysine.
Molecular consequence: missense variant.
Genome position (GRCh38, 1-based): chr2:98,377,800, G>A. VCF-style: chr2-98377800-G-A. GRCh37 (hg19) VCF-style: chr2-98994263-G-A.
Other names: c.215G>A, p.Arg72Lys (NM_001079878.2); short protein forms R72K.
Identifiers: ClinVar variation 2578865 (VCV002578865.25), dbSNP rs2466977700, ClinGen allele CA347830514.

ClinVar aggregate classification (germline): Likely pathogenic (1 of 4 stars; one submission).

Submission:

CeGaT Center for Human Genetics Tuebingen
Classification: Likely pathogenic. Last evaluated: 2023-07-01. Review status: criteria provided, single submitter. Criteria: CeGaT Center For Human Genetics Tuebingen Variant Classification Criteria Version 2. Collection method: clinical testing. Allele origin: germline. Affected: yes. Observed: 1 variant allele.
Comment: CNGA3: PP4:Strong, PM2